The following is an entry in ClinVar:

NM_000059.4(BRCA2):c.1016A>T (p.Asp339Val)

Gene: BRCA2 (BRCA2 DNA repair associated; plus strand). Cytogenetic location: 13q13.1.
Variant type: single nucleotide variant.
Coding change: c.1016A>T on transcript NM_000059.4 (MANE Select); coding-DNA position 1016, A replaced by T.
Protein change: p.Asp339Val; replaces aspartic acid 339 with valine.
Molecular consequence: missense variant.
Genome position (GRCh38, 1-based): chr13:32,332,494, A>T. VCF-style: chr13-32332494-A-T. GRCh37 (hg19) VCF-style: chr13-32906631-A-T.
Other names: short protein forms D339V.
Identifiers: ClinVar variation 1425652 (VCV001425652.9), dbSNP rs1244056899, ClinGen allele CA387761109.

ClinVar aggregate classification (germline): Conflicting classifications of pathogenicity. Review status: criteria provided, conflicting classifications (1 of 4 stars). 2 submissions from 2 submitters: Uncertain significance (1); Likely benign (1). Last evaluated 2023-03-23.

Conditions:
Hereditary cancer-predisposing syndrome. Also called: Tumor predisposition; Hereditary neoplastic syndrome; Neoplastic Syndromes, Hereditary; Hereditary Cancer Syndrome. Identifiers: Orphanet 140162, MedGen C0027672, MeSH D009386, MONDO:0015356.
Hereditary breast ovarian cancer syndrome. Also called: Hereditary breast and ovarian cancer syndrome; Hereditary breast and/or ovarian cancer syndrome; Hereditary breast and ovarian cancer; Breast and ovarian cancer; Hereditary breast and ovarian cancer syndrome (HBOC); BRCA1- and BRCA2-Associated Hereditary Breast and Ovarian Cancer. Identifiers: Orphanet 145, MedGen C0677776, MeSH D061325, MONDO:0003582. Disease mechanism: loss of function.

Submissions (2):

University of Washington Department of Laboratory Medicine, University of Washington
Classification: Likely benign for Hereditary cancer-predisposing syndrome. Last evaluated: 2023-03-23. Review status: criteria provided, single submitter. Criteria: Dines et al. (Genet Med. 2020). Collection method: curation. Allele origin: germline.
Comment: Missense variant in a coldspot region where missense variants are very unlikely to be pathogenic (PMID:31911673).

BRCA2 exon 10 coldspot. Reclassification based on statistical prior probability.

Labcorp Genetics (formerly Invitae), Labcorp
Classification: Uncertain significance for Hereditary breast ovarian cancer syndrome. Last evaluated: 2021-05-03. Review status: criteria provided, single submitter. Criteria: Invitae Variant Classification Sherloc (09022015). Collection method: clinical testing. Allele origin: germline.
Comment: In summary, the available evidence is currently insufficient to determine the role of this variant in disease. Therefore, it has been classified as a Variant of Uncertain Significance. Advanced modeling of protein sequence and biophysical properties (such as structural, functional, and spatial information, amino acid conservation, physicochemical variation, residue mobility, and thermodynamic stability) performed at Invitae indicates that this missense variant is not expected to disrupt BRCA2 protein function. This variant has not been reported in the literature in individuals with BRCA2-related conditions. This variant is not present in population databases (ExAC no frequency). This sequence change replaces aspartic acid with valine at codon 339 of the BRCA2 protein (p.Asp339Val). The aspartic acid residue is moderately conserved and there is a large physicochemical difference between aspartic acid and valine.